The following is an entry in ClinVar:

NM_001190787.3(MCIDAS):c.155C>T (p.Thr52Ile)

Gene: MCIDAS (multiciliate differentiation and DNA synthesis associated cell cycle protein; minus strand). Cytogenetic location: 5q11.2.
Variant type: single nucleotide variant.
Coding change: c.155C>T on transcript NM_001190787.3 (MANE Select); coding-DNA position 155, C replaced by T.
Protein change: p.Thr52Ile; replaces threonine 52 with isoleucine.
Molecular consequence: missense variant.
Genome position (GRCh38, 1-based): chr5:55,226,897, G>A on the plus strand (C>T on the coding strand, the complement: MCIDAS is on the minus strand). VCF-style: chr5-55226897-G-A. GRCh37 (hg19) VCF-style: chr5-54522725-G-A.
Other names: c.155C>T (NM_001190787.1); short protein forms T52I.
Identifiers: ClinVar variation 1364413 (VCV001364413.9), dbSNP rs896487065, ClinGen allele CA118983476.

ClinVar aggregate classification (germline): Uncertain significance. Review status: criteria provided, multiple submitters, no conflicts (2 of 4 stars). 2 submissions from 2 submitters: Uncertain significance (2). Last evaluated 2024-05-23.

Conditions:
Inborn genetic diseases. Identifiers: MedGen C0950123, MeSH D030342.
Primary ciliary dyskinesia. Also called: Ciliary dyskinesia. Identifiers: Orphanet 244, MedGen C0008780, MONDO:0016575, HP:0012265.

Allele frequency attached by ClinVar (database versions not stated): gnomAD exomes below 0.00001; gnomAD 0.00001; TOPMed 0.00003.
gnomAD v4.1: 9 of 1,420,096 alleles (0.00063%); highest among the groups gnomAD compares: Admixed American, 0.0029%; no homozygotes.

Submissions (2):

Ambry Genetics
Classification: Uncertain significance for Inborn genetic diseases. Last evaluated: 2024-05-23. Review status: criteria provided, single submitter. Criteria: Ambry Variant Classification Scheme 2023. Collection method: clinical testing. Allele origin: germline.

Labcorp Genetics (formerly Invitae), Labcorp
Classification: Uncertain significance for Primary ciliary dyskinesia. Last evaluated: 2022-03-20. Review status: criteria provided, single submitter. Criteria: Invitae Variant Classification Sherloc (09022015). Collection method: clinical testing. Allele origin: germline.
Comment: In summary, the available evidence is currently insufficient to determine the role of this variant in disease. Therefore, it has been classified as a Variant of Uncertain Significance. Algorithms developed to predict the effect of missense changes on protein structure and function (SIFT, PolyPhen-2, Align-GVGD) all suggest that this variant is likely to be tolerated. This variant has not been reported in the literature in individuals affected with MCIDAS-related conditions. This variant is not present in population databases (gnomAD no frequency). This sequence change replaces threonine, which is neutral and polar, with isoleucine, which is neutral and non-polar, at codon 52 of the MCIDAS protein (p.Thr52Ile).